The following is an entry in ClinVar:

NM_024577.4(SH3TC2):c.1178C>T (p.Ala393Val)

Gene: SH3TC2 (SH3 domain and tetratricopeptide repeats 2; minus strand). Cytogenetic location: 5q32.
Variant type: single nucleotide variant.
Coding change: c.1178C>T on transcript NM_024577.4 (MANE Select); coding-DNA position 1178, C replaced by T.
Protein change: p.Ala393Val; replaces alanine 393 with valine.
Molecular consequence: missense variant.
Genome position (GRCh38, 1-based): chr5:149,028,554, G>A on the plus strand (C>T on the coding strand, the complement: SH3TC2 is on the minus strand). VCF-style: chr5-149028554-G-A. GRCh37 (hg19) VCF-style: chr5-148408117-G-A.
Other names: short protein forms A393V.
Identifiers: ClinVar variation 476881 (VCV000476881.18), dbSNP rs148321018, ClinGen allele CA3499240.

ClinVar aggregate classification (germline): Conflicting classifications of pathogenicity. Review status: criteria provided, conflicting classifications (1 of 4 stars). 5 submissions from 5 submitters: Uncertain significance (1); Likely benign (3). 1 of the submissions does not count toward it. Last evaluated 2026-01-28.

Conditions:
SH3TC2-related disorder. Also called: SH3TC2-related disorders; SH3TC2-related condition. Identifiers: MedGen CN239303.
Charcot-Marie-Tooth disease type 4. Also called: Charcot-Marie-Tooth, Type 4; Charcot-Marie-Tooth disease, type IV. Identifiers: Orphanet 64749, MedGen C4082197, MONDO:0018995.
Inborn genetic diseases. Identifiers: MedGen C0950123, MeSH D030342.

Allele frequency attached by ClinVar (database versions not stated): gnomAD 0.00117 and 0.00111; TOPMed 0.00131; gnomAD exomes 0.00010 and 0.00029; ExAC 0.00035; 1000 Genomes Project 0.00040; 1000 Genomes Project 30x 0.00047; ESP Exome Variant Server 0.00085.
gnomAD v4.1: 338 of 1,614,166 alleles (0.021%); highest among the groups gnomAD compares: African/African-American, 0.39%; no homozygotes.

Submissions (5):

Labcorp Genetics (formerly Invitae), Labcorp
Classification: Likely benign for Charcot-Marie-Tooth disease type 4. Last evaluated: 2026-01-28. Review status: criteria provided, single submitter. Criteria: Invitae Variant Classification Sherloc (09022015). Collection method: clinical testing. Allele origin: germline.

ARUP Laboratories, Molecular Genetics and Genomics, ARUP Laboratories
Classification: Likely benign. Last evaluated: 2024-03-14. Review status: criteria provided, single submitter. Criteria: ARUP Molecular Germline Variant Investigation Process 2024. Collection method: clinical testing. Allele origin: germline.

GeneDx
Classification: Uncertain significance. Last evaluated: 2023-03-14. Review status: criteria provided, single submitter. Criteria: GeneDx Variant Classification Process June 2021. Collection method: clinical testing. Allele origin: germline. Affected: yes.
Comment: In silico analysis supports that this missense variant does not alter protein structure/function; Has not been previously published as pathogenic or benign to our knowledge

Ambry Genetics
Classification: Likely benign for Inborn genetic diseases. Last evaluated: 2022-06-09. Review status: criteria provided, single submitter. Criteria: Ambry Variant Classification Scheme 2023. Collection method: clinical testing. Allele origin: germline.

PreventionGenetics, part of Exact Sciences
Classification: Likely benign for SH3TC2-related condition. Last evaluated: 2022-02-18. Review status: no assertion criteria provided. Collection method: clinical testing. Allele origin: germline. Not counted in ClinVar's aggregate classification.
Comment: This variant is classified as likely benign based on ACMG/AMP sequence variant interpretation guidelines (Richards et al. 2015 PMID: 25741868, with internal and published modifications).